The following is an entry in ClinVar:

NM_000095.3(COMP):c.2152C>T (p.Arg718Trp)

Gene: COMP (cartilage oligomeric matrix protein; minus strand). Cytogenetic location: 19p13.11.
Variant type: single nucleotide variant.
Coding change: c.2152C>T on transcript NM_000095.3 (MANE Select); coding-DNA position 2152, C replaced by T.
Protein change: p.Arg718Trp; replaces arginine 718 with tryptophan.
Molecular consequence: missense variant.
Genome position (GRCh38, 1-based): chr19:18,783,129, G>A on the plus strand (C>T on the coding strand, the complement: COMP is on the minus strand). VCF-style: chr19-18783129-G-A. GRCh37 (hg19) VCF-style: chr19-18893939-G-A.
Other names: short protein forms R718W.
Identifiers: ClinVar variation 9198 (VCV000009198.21), dbSNP rs28936368, ClinGen allele CA340882.

ClinVar aggregate classification (germline): Pathogenic/Likely pathogenic. Review status: criteria provided, multiple submitters, no conflicts (2 of 4 stars). 10 submissions from 9 submitters: Pathogenic (5); Likely pathogenic (2). 3 of the submissions do not count toward it. Last evaluated 2026-04-01.

Conditions:
COMP-related disorder. Also called: COMP-related condition; COMP-related disorders.
Carpal tunnel syndrome 2. Identifiers: MedGen C5436916, MONDO:0030883, OMIM 619161.
Multiple epiphyseal dysplasia. Also called: Multiple epiphyseal dysplasia (disease). Identifiers: Orphanet 251, MedGen C0026760, MONDO:0016648, HP:0002654.
Multiple epiphyseal dysplasia type 1. Also called: COMP-Related Multiple Epiphyseal Dysplasia. Identifiers: Orphanet 93308, MedGen C1838280, MONDO:0007561, OMIM 132400.

gnomAD v4.1: 2 of 1,610,894 alleles (0.00012%); highest among the groups gnomAD compares: Non-Finnish European, 0.00017%; no homozygotes.

Submissions (10):

CeGaT Center for Human Genetics Tuebingen
Classification: Pathogenic. Last evaluated: 2026-04-01. Review status: criteria provided, single submitter. Criteria: CeGaT Center For Human Genetics Tuebingen Variant Classification Criteria Version 2. Collection method: clinical testing. Allele origin: germline. Affected: yes. Observed: 1 variant allele.
Comment: COMP: PP1:Strong, PS4, PM1, PM2, PM5, PP3, PS3:Supporting

PreventionGenetics, part of Exact Sciences
Classification: Pathogenic for COMP-related condition. Last evaluated: 2025-01-07. Review status: criteria provided, single submitter. Criteria: ACMG Guidelines, 2015. Collection method: clinical testing. Allele origin: germline.
Comment: The COMP c.2152C>T variant is predicted to result in the amino acid substitution p.Arg718Trp. This variant has been reported as a recurrent pathogenic variant for multiple epiphyseal dysplasia and early-onset osteoarthritis (Mabuchi et al 2003. PubMed ID: 12483304; Briggs et al 2014. PubMed ID: 24595329; Kim et al 2011. PubMed ID: 21965141; Mu. 2011. PubMed ID: 21834907; Briggs et al 2019. PubMed ID: 20301302). A different substitution affecting the same residue (p.Arg718Pro) was also reported to be pathogenic (Briggs et al 2019. PubMed ID: 20301302). This variant has not been reported in a large population database, indicating this variant is rare. This variant is interpreted as pathogenic.

Labcorp Genetics (formerly Invitae), Labcorp
Classification: Pathogenic. Last evaluated: 2024-12-22. Review status: criteria provided, single submitter. Criteria: Invitae Variant Classification Sherloc (09022015). Collection method: clinical testing. Allele origin: germline.
Comment: This sequence change replaces arginine, which is basic and polar, with tryptophan, which is neutral and slightly polar, at codon 718 of the COMP protein (p.Arg718Trp). This variant is not present in population databases (gnomAD no frequency). This missense change has been observed in individuals with multiple epiphyseal dysplasia (PMID: 12483304, 14684695, 21834907, 21965141, 24595329). It has also been observed to segregate with disease in related individuals. ClinVar contains an entry for this variant (Variation ID: 9198). Invitae Evidence Modeling of protein sequence and biophysical properties (such as structural, functional, and spatial information, amino acid conservation, physicochemical variation, residue mobility, and thermodynamic stability) has been performed for this missense variant. However, the output from this modeling did not meet the statistical confidence thresholds required to predict the impact of this variant on COMP protein function. For these reasons, this variant has been classified as Pathogenic.

Blueprint Genetics
Classification: Pathogenic for COMP-related disorders. Last evaluated: 2024-09-05. Review status: criteria provided, single submitter. Criteria: ACMG Guidelines, 2015. Collection method: clinical testing. Allele origin: germline. Affected: yes. Observed: 3 variant alleles.

GeneDx
Classification: Likely pathogenic. Last evaluated: 2023-05-11. Review status: criteria provided, single submitter. Criteria: GeneDx Variant Classification Process June 2021. Collection method: clinical testing. Allele origin: germline. Affected: yes.
Comment: Not observed at significant frequency in large population cohorts (gnomAD); In silico analysis supports that this missense variant has a deleterious effect on protein structure/function; This variant is associated with the following publications: (PMID: 24595329, 21965141, 17133256, 21834907, 18328978, 29162415, 15880723, 26691295, 21042783, 14684695, 32686688, 12483304)

Institute of Medical Genetics and Applied Genomics, University Hospital Tübingen
Classification: Pathogenic. Last evaluated: 2020-10-23. Review status: criteria provided, single submitter. Criteria: ACMG Guidelines, 2015. Collection method: clinical testing. Allele origin: germline. Inheritance: Autosomal dominant inheritance. Affected: yes.

Neuberg Centre For Genomic Medicine, NCGM
Classification: Likely pathogenic for Multiple epiphyseal dysplasia type 1. Review status: criteria provided, single submitter. Criteria: ACMG Guidelines, 2015. Collection method: clinical testing. Allele origin: germline. Inheritance: Autosomal dominant inheritance. Affected: yes.
Comment: The missense variant p.R718W in COMP (NM_000095.3) has been reported previously in affected indviduals with multiple epihyseal dysplasia (Briggs MD et al,Jakkula E et al,Mabuchi A et al). It has been submitted to ClinVar as Pathogenic. It is novel (not in any individuals) in gnomAD Exomes and 1000 Genomes. In silico tools predict the variant to be damaging and the residue is semi conserved across species. For these reasons, this variant has been classified as Pathogenic.

OMIM
Classification: Pathogenic for EPIPHYSEAL DYSPLASIA, MULTIPLE, 1. Last evaluated: 2003-12-01. Review status: no assertion criteria provided. Collection method: literature only. Allele origin: germline. Not counted in ClinVar's aggregate classification.

OMIM
Classification: Pathogenic for CARPAL TUNNEL SYNDROME 2. Last evaluated: 2003-12-01. Review status: no assertion criteria provided. Collection method: literature only. Allele origin: germline. Not counted in ClinVar's aggregate classification.

GeneReviews
No classification provided. Condition: Multiple epiphyseal dysplasia. Review status: no classification provided. Collection method: literature only. Allele origin: germline. Not counted in ClinVar's aggregate classification.

Literature cited by the submitters: PubMed 12483304 (cited by Labcorp Genetics (formerly Invitae), Labcorp and OMIM); PubMed 14684695 (cited by Labcorp Genetics (formerly Invitae), Labcorp and OMIM); PubMed 21834907 (cited by Labcorp Genetics (formerly Invitae), Labcorp); PubMed 21965141 (cited by Labcorp Genetics (formerly Invitae), Labcorp); PubMed 24595329 (cited by Labcorp Genetics (formerly Invitae), Labcorp); PubMed 32686688 (cited by OMIM); NCBI Bookshelf NBK1123 (cited by GeneReviews).